The following is an entry in ClinVar:

ClinVar aggregate classification (germline): Uncertain significance (1 of 4 stars; one submission).

Conditions:
Mucopolysaccharidosis, MPS-IV-A (MPS4A). Also called: Mucopolysaccharidosis type IV A; Mucopolysaccharidosis Type IVA; Morquio syndrome A, mild; MORQUIO SYNDROME A; MPS IVA; mucopolysaccharidosis type 4A. Identifiers: Orphanet 309297, Orphanet 582, MedGen C0086651, MONDO:0009659, OMIM 253000.

Allele frequency attached by ClinVar (database versions not stated): gnomAD exomes below 0.00001; TOPMed below 0.00001.
gnomAD v4.1: 5 of 1,613,670 alleles (0.00031%); highest among the groups gnomAD compares: Non-Finnish European, 0.00042%; no homozygotes.

Submission:

Laboratory of Diagnosis and Therapy of Lysosomal Disorders, University of Padova
Classification: Uncertain significance for Mucopolysaccharidosis, MPS-IV-A. Last evaluated: 2021-02-01. Review status: criteria provided, single submitter. Criteria: ACMG Guidelines, 2015. Collection method: research. Allele origin: germline. Affected: yes.
Comment: Absent from gnomAD v2.1.1 (PM2_moderate); multiple lines of computational evidence support a deleterious effect on the gene (PP3_supporting)

Literature cited by the submitters: PubMed 7633425; PubMed 9521421; PubMed 34387910.

NM_000512.5(GALNS):c.287G>T (p.Gly96Val)

Gene: GALNS (galactosamine (N-acetyl)-6-sulfatase; minus strand). Cytogenetic location: 16q24.3.
Variant type: single nucleotide variant.
Coding change: c.287G>T on transcript NM_000512.5 (MANE Select); coding-DNA position 287, G replaced by T.
Protein change: p.Gly96Val; replaces glycine 96 with valine.
Molecular consequence: missense variant. On other transcripts: 5 prime UTR variant (1).
Genome position (GRCh38, 1-based): chr16:88,841,929, C>A on the plus strand (G>T on the coding strand, the complement: GALNS is on the minus strand). VCF-style: chr16-88841929-C-A. GRCh37 (hg19) VCF-style: chr16-88908337-C-A.
Other names: c.-269G>T (NM_001323543.2); c.305G>T, p.Gly102Val (NM_001323544.2); short protein forms G102V, G96V.
Identifiers: ClinVar variation 1048179 (VCV001048179.3), dbSNP rs1966992597, ClinGen allele CA397089162.
Genomic context (GRCh38, chr16:88,841,929, plus strand): 5'-GTGTCCCTGGAGGCGGTGGGCAGCCTACCGTTTCTGGCATGGGCGTTGGTGGTGTAGAAG[C>A]CATTGCGGATGGGTAGCCGTCCTGTGAGCAGTGCCGCCCTCGCTATGTGGAGGTGACAGA-3'
Protein context (NP_000503.1, residues 86-106): LLTGRLPIRN[Gly96Val]FYTTNAHARN